The following is an entry in ClinVar:

ClinVar aggregate classification (germline): Uncertain significance (1 of 4 stars; one submission).

Allele frequency attached by ClinVar (database versions not stated): gnomAD exomes below 0.00001; TOPMed below 0.00001.
gnomAD v4.1: 4 of 1,612,718 alleles (0.00025%); highest among the groups gnomAD compares: Non-Finnish European, 0.00034%; no homozygotes.

Submission:

Labcorp Genetics (formerly Invitae), Labcorp
Classification: Uncertain significance. Last evaluated: 2023-08-04. Review status: criteria provided, single submitter. Criteria: Invitae Variant Classification Sherloc (09022015). Collection method: clinical testing. Allele origin: germline.
Comment: This sequence change replaces arginine, which is basic and polar, with tryptophan, which is neutral and slightly polar, at codon 589 of the OCA2 protein (p.Arg589Trp). This variant is present in population databases (no rsID available, gnomAD 0.0009%). This variant has not been reported in the literature in individuals affected with OCA2-related conditions. ClinVar contains an entry for this variant (Variation ID: 1363593). Advanced modeling of protein sequence and biophysical properties (such as structural, functional, and spatial information, amino acid conservation, physicochemical variation, residue mobility, and thermodynamic stability) performed at Invitae indicates that this missense variant is not expected to disrupt OCA2 protein function. In summary, the available evidence is currently insufficient to determine the role of this variant in disease. Therefore, it has been classified as a Variant of Uncertain Significance.

NM_000275.3(OCA2):c.1765A>T (p.Arg589Trp)

Gene: OCA2 (OCA2 melanosomal transmembrane protein; minus strand). Cytogenetic location: 15q13.1.
Variant type: single nucleotide variant.
Coding change: c.1765A>T on transcript NM_000275.3 (MANE Select); coding-DNA position 1765, A replaced by T.
Protein change: p.Arg589Trp; replaces arginine 589 with tryptophan.
Molecular consequence: missense variant.
Genome position (GRCh38, 1-based): chr15:27,957,607, T>A on the plus strand (A>T on the coding strand, the complement: OCA2 is on the minus strand). VCF-style: chr15-27957607-T-A. GRCh37 (hg19) VCF-style: chr15-28202753-T-A.
Other names: c.1693A>T, p.Arg565Trp (NM_001300984.2); short protein forms R589W, R565W.
Identifiers: ClinVar variation 1363593 (VCV001363593.6), dbSNP rs1251628913, ClinGen allele CA391365587.